The following is an entry in ClinVar:

ClinVar aggregate classification (germline): Uncertain significance (1 of 4 stars; one submission).

Conditions:
Congenital sideroblastic anemia-B-cell immunodeficiency-periodic fever-developmental delay syndrome. Also called: Sideroblastic anemia with B-cell immunodeficiency, periodic fevers, and developmental delay. Identifiers: Orphanet 369861, MedGen C4015172, MONDO:0014487, OMIM 616084.

Allele frequency attached by ClinVar (database versions not stated): gnomAD below 0.00001 and 0.00001; ExAC 0.00001; gnomAD exomes 0.00001.
gnomAD v4.1: 15 of 1,613,446 alleles (0.00093%); highest among the groups gnomAD compares: South Asian, 0.016%; no homozygotes.

Submission:

Labcorp Genetics (formerly Invitae), Labcorp
Classification: Uncertain significance for Congenital sideroblastic anemia-B-cell immunodeficiency-periodic fever-developmental delay syndrome. Last evaluated: 2023-10-13. Review status: criteria provided, single submitter. Criteria: Invitae Variant Classification Sherloc (09022015). Collection method: clinical testing. Allele origin: germline.
Comment: This sequence change falls in intron 4 of the TRNT1 gene. It does not directly change the encoded amino acid sequence of the TRNT1 protein. It affects a nucleotide within the consensus splice site. This variant is present in population databases (rs761643814, gnomAD 0.01%). This variant has not been reported in the literature in individuals affected with TRNT1-related conditions. ClinVar contains an entry for this variant (Variation ID: 1007357). Variants that disrupt the consensus splice site are a relatively common cause of aberrant splicing (PMID: 17576681, 9536098). Algorithms developed to predict the effect of sequence changes on RNA splicing suggest that this variant is not likely to affect RNA splicing. In summary, the available evidence is currently insufficient to determine the role of this variant in disease. Therefore, it has been classified as a Variant of Uncertain Significance.

Literature cited by the submitters: PubMed 17576681; PubMed 9536098.

NM_182916.3(TRNT1):c.481+5T>C

Gene: TRNT1 (tRNA nucleotidyl transferase 1; plus strand). Cytogenetic location: 3p26.2.
Variant type: single nucleotide variant.
Coding change: c.481+5T>C on transcript NM_182916.3 (MANE Select); 5 bases into the intron after coding-DNA position 481, T replaced by C.
Molecular consequence: intron variant.
Genome position (GRCh38, 1-based): chr3:3,140,653, T>C. VCF-style: chr3-3140653-T-C. GRCh37 (hg19) VCF-style: chr3-3182337-T-C.
Other names: c.481+5T>C (NM_001367321.1, NM_001367323.1, NM_001367322.1 and 1 more transcripts).
Identifiers: ClinVar variation 1007357 (VCV001007357.5), dbSNP rs761643814, ClinGen allele CA2228664.
Genomic context (GRCh38, chr3:3,140,653, plus strand): 5'-TGACTGGCAGAAAGATGCGGAACGCAGAGATCTCACTATAAATTCTATGTTTTTAGGTAA[T>C]ATTTGCAGATAAAACCATATTGTGAGTCTATCAGAATGCCTTCTTTTCAAGTAAAACCTA-3'